The following is an entry in ClinVar:

ClinVar aggregate classification (germline): Uncertain significance (1 of 4 stars; one submission).

gnomAD v4.1: 1 of 1,597,214 alleles (0.000063%); highest among the groups gnomAD compares: Non-Finnish European, 0.000086%; no homozygotes.

Submission:

Labcorp Genetics (formerly Invitae), Labcorp
Classification: Uncertain significance. Last evaluated: 2024-08-14. Review status: criteria provided, single submitter. Criteria: Invitae Variant Classification Sherloc (09022015). Collection method: clinical testing. Allele origin: germline.
Comment: This sequence change replaces proline, which is neutral and non-polar, with serine, which is neutral and polar, at codon 33 of the IFNAR1 protein (p.Pro33Ser). This variant is not present in population databases (gnomAD no frequency). This variant has not been reported in the literature in individuals affected with IFNAR1-related conditions. An algorithm developed to predict the effect of missense changes on protein structure and function outputs the following: PolyPhen-2: "Possibly Damaging". The serine amino acid residue is found in multiple mammalian species, which suggests that this missense change does not adversely affect protein function. In summary, the available evidence is currently insufficient to determine the role of this variant in disease. Therefore, it has been classified as a Variant of Uncertain Significance.

NM_000629.3(IFNAR1):c.97C>T (p.Pro33Ser)

Gene: IFNAR1 (interferon alpha and beta receptor subunit 1; plus strand). Cytogenetic location: 21q22.11.
Variant type: single nucleotide variant.
Coding change: c.97C>T on transcript NM_000629.3 (MANE Select); coding-DNA position 97, C replaced by T.
Protein change: p.Pro33Ser; replaces proline 33 with serine.
Molecular consequence: missense variant. On other transcripts: 5 prime UTR variant (3).
Genome position (GRCh38, 1-based): chr21:33,335,544, C>T. VCF-style: chr21-33335544-C-T. GRCh37 (hg19) VCF-style: chr21-34707850-C-T.
Other names: c.97C>T, p.Pro33Ser (NM_001384498.1, NM_001384499.1, NM_001384501.1 and 1 more transcripts); c.-690C>T (NM_001384500.1); c.-287C>T (NM_001384502.1); c.-111C>T (NM_001384504.1); short protein forms P33S.
Identifiers: ClinVar variation 3640690 (VCV003640690.2).
Genomic context (GRCh38, chr21:33,335,544, plus strand): 5'-AGTTTGTATATAATGTTCTTATTTCTTGTTGCTTTTATAGGTGGAAAAAATCTAAAATCT[C>T]CTCAAAAAGTAGAGGTCGACATCATAGATGACAACTTTATCCTGAGGTGGAACAGGAGCG-3'
Protein context (NP_000620.2, residues 23-43): AAAGGKNLKS[Pro33Ser]QKVEVDIIDD